The following is an entry in ClinVar:

NM_001079872.2(CUL4B):c.811A>T (p.Ile271Phe)

Gene: CUL4B (cullin 4B; minus strand). Cytogenetic location: Xq24.
Variant type: single nucleotide variant.
Coding change: c.811A>T on transcript NM_001079872.2 (MANE Select); coding-DNA position 811, A replaced by T.
Protein change: p.Ile271Phe; replaces isoleucine 271 with phenylalanine.
Molecular consequence: missense variant.
Genome position (GRCh38, 1-based): chrX:120,546,582, T>A on the plus strand (A>T on the coding strand, the complement: CUL4B is on the minus strand). VCF-style: chrX-120546582-T-A. GRCh37 (hg19) VCF-style: chrX-119680437-T-A.
Other names: c.826A>T, p.Ile276Phe (NM_001330624.2); c.277A>T, p.Ile93Phe (NM_001369145.1); c.865A>T, p.Ile289Phe (NM_003588.4); short protein forms I289F, I271F, I276F, I93F.
Identifiers: ClinVar variation 2708826 (VCV002708826.3), dbSNP rs2521133019, ClinGen allele CA414200498.

ClinVar aggregate classification (germline): Uncertain significance (1 of 4 stars; one submission).

Conditions:
X-linked intellectual disability Cabezas type (MRXSC). Also called: Intellectual developmental disorder, X-linked syndromic, Cabezas type; CABEZAS SYNDROME; MENTAL RETARDATION, X-LINKED, SYNDROMIC 15. Identifiers: Orphanet 85289, Orphanet 85293, MedGen C1845861, MONDO:0010306, OMIM 300354.

Submission:

Labcorp Genetics (formerly Invitae), Labcorp
Classification: Uncertain significance for X-linked intellectual disability Cabezas type. Last evaluated: 2026-01-12. Review status: criteria provided, single submitter. Criteria: Invitae Variant Classification Sherloc (09022015). Collection method: clinical testing. Allele origin: germline.
Comment: This sequence change replaces isoleucine, which is neutral and non-polar, with phenylalanine, which is neutral and non-polar, at codon 289 of the CUL4B protein (p.Ile289Phe). This variant is not present in population databases (gnomAD no frequency). This variant has not been reported in the literature in individuals affected with CUL4B-related conditions. ClinVar contains an entry for this variant (Variation ID: 2708826). Invitae Evidence Modeling of protein sequence and biophysical properties (such as structural, functional, and spatial information, amino acid conservation, physicochemical variation, residue mobility, and thermodynamic stability) has been performed for this missense variant. However, the output from this modeling did not meet the statistical confidence thresholds required to predict the impact of this variant on CUL4B protein function. In summary, the available evidence is currently insufficient to determine the role of this variant in disease. Therefore, it has been classified as a Variant of Uncertain Significance.